The following is an entry in ClinVar:

ClinVar aggregate classification (germline): Uncertain significance (1 of 4 stars; one submission).

Conditions:
Dyskeratosis congenita. Identifiers: Orphanet 1775, MedGen C0265965, MONDO:0015780.

Allele frequency attached by ClinVar (database versions not stated): gnomAD 0.00001.
gnomAD v4.1: 1 of 1,613,982 alleles (0.000062%); highest among the groups gnomAD compares: Admixed American, 0.0017%; no homozygotes.

Submission:

Labcorp Genetics (formerly Invitae), Labcorp
Classification: Uncertain significance for Dyskeratosis congenita. Last evaluated: 2025-10-21. Review status: criteria provided, single submitter. Criteria: Invitae Variant Classification Sherloc (09022015). Collection method: clinical testing. Allele origin: germline.
Comment: This sequence change replaces asparagine, which is neutral and polar, with lysine, which is basic and polar, at codon 72 of the NHP2 protein (p.Asn72Lys). This variant is not present in population databases (gnomAD no frequency). This variant has not been reported in the literature in individuals affected with NHP2-related conditions. ClinVar contains an entry for this variant (Variation ID: 2188563). An algorithm developed to predict the effect of missense changes on protein structure and function (PolyPhen-2) suggests that this variant is likely to be tolerated. In summary, the available evidence is currently insufficient to determine the role of this variant in disease. Therefore, it has been classified as a Variant of Uncertain Significance.

NM_017838.4(NHP2):c.216C>G (p.Asn72Lys)

Gene: NHP2 (NHP2 ribonucleoprotein; minus strand). Cytogenetic location: 5q35.3.
Variant type: single nucleotide variant.
Coding change: c.216C>G on transcript NM_017838.4 (MANE Select); coding-DNA position 216, C replaced by G.
Protein change: p.Asn72Lys; replaces asparagine 72 with lysine.
Molecular consequence: missense variant.
Genome position (GRCh38, 1-based): chr5:178,153,505, G>C on the plus strand (C>G on the coding strand, the complement: NHP2 is on the minus strand). VCF-style: chr5-178153505-G-C. GRCh37 (hg19) VCF-style: chr5-177580506-G-C.
Other names: c.216C>G, p.Asn72Lys (NM_001034833.2, NM_001396110.1); short protein forms N72K.
Identifiers: ClinVar variation 2188563 (VCV002188563.4), dbSNP rs1756325819, ClinGen allele CA362392350.
Genomic context (GRCh38, chr5:178,153,505, plus strand): 5'-CGTTAACGTTTAGAAATGCAAAATCCAGAGGAAGGAAGGTTCTTACCCTTTTTCTCCTTT[G>C]TTGACAAATTTCTGAACCTCTTTCACCCCGCGCCGAATCTGCTTCTGCTTCACCGCTGCA-3'
Protein context (NP_060308.1, residues 62-82): RGVKEVQKFV[Asn72Lys]KGEKGIMVLA